The following is an entry in ClinVar:

NM_001267550.2(TTN):c.97395del (p.Glu32466fs)

Genes: TTN-AS1 (TTN antisense RNA 1; plus strand), TTN (titin; minus strand). Cytogenetic location: 2q31.2.
Variant type: Deletion.
Coding change: c.97395del on transcript NM_001267550.2 (MANE Select); coding-DNA position 97395, one base deleted (C; older notation c.97395delC).
Protein change: p.Glu32466fs; shifts the reading frame from glutamic acid 32466.
Molecular consequence: frameshift variant.
Genome position (GRCh38, 1-based): chr2:178,542,361, G deleted on the plus strand (C on the coding strand, the reverse complement: TTN is on the minus strand); the first of 2 consecutive G bases (chr2:178,542,361-178,542,362); deleting either gives the same sequence. VCF-style (leftmost placement, unchanged base first): chr2-178542360-CG-C. GRCh37 (hg19) VCF-style: chr2-179407087-CG-C.
Other names: c.92472del, p.Glu30825fs (NM_001256850.1); c.70200del, p.Glu23401fs (NM_003319.4); c.89691del, p.Glu29898fs (NM_133378.4); c.70575del, p.Glu23526fs (NM_133432.3); c.70776del, p.Glu23593fs (NM_133437.4); c.97395delC (NM_001267550.2); short protein forms E23401fs, E23526fs, E23593fs, E29898fs, E30825fs, E32466fs.
Identifiers: ClinVar variation 466677 (VCV000466677.12), dbSNP rs1553515473, ClinGen allele CA658657128.

ClinVar aggregate classification (germline): Likely pathogenic (1 of 4 stars; one submission).

Conditions:
Autosomal recessive limb-girdle muscular dystrophy type 2J (LGMDR10). Also called: Limb-girdle muscular dystrophy, type 2J; MUSCULAR DYSTROPHY, LIMB-GIRDLE, AUTOSOMAL RECESSIVE 10. Identifiers: Orphanet 140922, MedGen C1837342, MONDO:0012127, OMIM 608807.
Dilated cardiomyopathy 1G (CMD1G). Identifiers: Orphanet 154, MedGen C1858763, MONDO:0011400, OMIM 604145.

Submission:

Labcorp Genetics (formerly Invitae), Labcorp
Classification: Likely pathogenic for Dilated cardiomyopathy 1G; Autosomal recessive limb-girdle muscular dystrophy type 2J. Last evaluated: 2019-10-29. Review status: criteria provided, single submitter. Criteria: Invitae Variant Classification Sherloc (09022015). Collection method: clinical testing. Allele origin: germline.
Comment: This sequence change results in a premature translational stop signal in the TTN gene (p.Glu32466Lysfs*26). It is expected to result in an absent or disrupted protein product. This variant is not present in population databases (ExAC no frequency). This variant has not been reported in the literature in individuals with TTN-related disease. This variant is found in the A-band of this gene. While this particular variant has not been reported in the literature, truncating variants in the A-band of TTN are significantly overrepresented in patients with dilated cardiomyopathy and are considered to be likely pathogenic for the disease (PMID: 25589632). For these reasons, this variant has been classified as Likely Pathogenic.

Literature cited by the submitters: PubMed 25589632.